The following is an entry in ClinVar:

ClinVar aggregate classification (germline): Likely benign (1 of 4 stars; one submission).

Conditions:
PKP1-related disorder. Also called: PKP1-related condition.

Submission:

PreventionGenetics, part of Exact Sciences
Classification: Likely benign for PKP1-related condition. Last evaluated: 2026-03-03. Review status: criteria provided, single submitter. Criteria: ACMG Guidelines, 2015. Collection method: clinical testing. Allele origin: germline.
Comment: This variant is classified as likely benign based on ACMG/AMP sequence variant interpretation guidelines (Richards et al. 2015 PMID: 25741868, with internal and published modifications).

NM_001005337.3(PKP1):c.1110C>T (p.Asp370=)

Gene: PKP1 (plakophilin 1; plus strand). Cytogenetic location: 1q32.1.
Variant type: single nucleotide variant.
Coding change: c.1110C>T on transcript NM_001005337.3 (MANE Select); coding-DNA position 1110, C replaced by T.
Protein change: p.Asp370=; no amino-acid change (aspartic acid 370 retained).
Molecular consequence: synonymous variant.
Genome position (GRCh38, 1-based): chr1:201,318,673, C>T. VCF-style: chr1-201318673-C-T. GRCh37 (hg19) VCF-style: chr1-201287801-C-T.
Other names: c.1110C>T, p.Asp370= (NM_000299.4).
Identifiers: ClinVar variation 4979141 (VCV004979141.1).